The following is an entry in ClinVar:

NM_004341.5(CAD):c.2954T>A (p.Met985Lys)

Gene: CAD (carbamoyl-phosphate synthetase 2, aspartate transcarbamylase, and dihydroorotase; plus strand). Cytogenetic location: 2p23.3.
Variant type: single nucleotide variant.
Coding change: c.2954T>A on transcript NM_004341.5 (MANE Select); coding-DNA position 2954, T replaced by A.
Protein change: p.Met985Lys; replaces methionine 985 with lysine.
Molecular consequence: missense variant.
Genome position (GRCh38, 1-based): chr2:27,233,103, T>A. VCF-style: chr2-27233103-T-A. GRCh37 (hg19) VCF-style: chr2-27455971-T-A.
Other names: c.2765T>A, p.Met922Lys (NM_001306079.2); short protein forms M922K, M985K.
Identifiers: ClinVar variation 1375859 (VCV001375859.5), dbSNP rs776014297, ClinGen allele CA1573146.

ClinVar aggregate classification (germline): Uncertain significance (1 of 4 stars; one submission).

Allele frequency attached by ClinVar (database versions not stated): gnomAD 0.00001 and 0.00003; gnomAD exomes 0.00002 and 0.00004; ExAC 0.00003; TOPMed 0.00003.
gnomAD v4.1: 67 of 1,613,354 alleles (0.0042%); highest among the groups gnomAD compares: Non-Finnish European, 0.0057%; no homozygotes.

Submission:

Labcorp Genetics (formerly Invitae), Labcorp
Classification: Uncertain significance. Last evaluated: 2021-09-17. Review status: criteria provided, single submitter. Criteria: Invitae Variant Classification Sherloc (09022015). Collection method: clinical testing. Allele origin: germline.
Comment: This sequence change replaces methionine with lysine at codon 985 of the CAD protein (p.Met985Lys). The methionine residue is moderately conserved and there is a moderate physicochemical difference between methionine and lysine. This variant is present in population databases (rs776014297, ExAC 0.006%). This variant has not been reported in the literature in individuals affected with CAD-related conditions. Algorithms developed to predict the effect of missense changes on protein structure and function are either unavailable or do not agree on the potential impact of this missense change (SIFT: "Tolerated"; PolyPhen-2: "Probably Damaging"; Align-GVGD: "Class C0"). In summary, the available evidence is currently insufficient to determine the role of this variant in disease. Therefore, it has been classified as a Variant of Uncertain Significance.